The following is an entry in ClinVar:

ClinVar aggregate classification (germline): Uncertain significance (1 of 4 stars; one submission).

Conditions:
Glycine encephalopathy. Also called: Nonketotic hyperglycinemia; Non-ketotic hyperglycinemia. Identifiers: Orphanet 407, MedGen C0751748, MONDO:0011612, HP:0008288.

Submission:

Labcorp Genetics (formerly Invitae), Labcorp
Classification: Uncertain significance for Glycine encephalopathy. Last evaluated: 2022-05-11. Review status: criteria provided, single submitter. Criteria: Invitae Variant Classification Sherloc (09022015). Collection method: clinical testing. Allele origin: germline.
Comment: This sequence change replaces valine, which is neutral and non-polar, with methionine, which is neutral and non-polar, at codon 215 of the AMT protein (p.Val215Met). This variant is present in population databases (no rsID available, gnomAD 0.003%). This variant has not been reported in the literature in individuals affected with AMT-related conditions. Advanced modeling of protein sequence and biophysical properties (such as structural, functional, and spatial information, amino acid conservation, physicochemical variation, residue mobility, and thermodynamic stability) performed at Invitae indicates that this missense variant is not expected to disrupt AMT protein function. In summary, the available evidence is currently insufficient to determine the role of this variant in disease. Therefore, it has been classified as a Variant of Uncertain Significance.

NM_000481.4(AMT):c.643G>A (p.Val215Met)

Gene: AMT (aminomethyltransferase; minus strand). Cytogenetic location: 3p21.31.
Variant type: single nucleotide variant.
Coding change: c.643G>A on transcript NM_000481.4 (MANE Select); coding-DNA position 643, G replaced by A.
Protein change: p.Val215Met; replaces valine 215 with methionine.
Molecular consequence: missense variant. On other transcripts: non-coding transcript variant (1).
Genome position (GRCh38, 1-based): chr3:49,419,313, C>T on the plus strand (G>A on the coding strand, the complement: AMT is on the minus strand). VCF-style: chr3-49419313-C-T. GRCh37 (hg19) VCF-style: chr3-49456746-C-T.
Other names: c.511G>A, p.Val171Met (NM_001164710.2); c.475G>A, p.Val159Met (NM_001164711.2); c.643G>A, p.Val215Met (NM_001164712.2); short protein forms V215M, V159M, V171M.
Identifiers: ClinVar variation 1396480 (VCV001396480.5), dbSNP rs1030915796, ClinGen allele CA74514032.